The following is an entry in ClinVar:

ClinVar aggregate classification (germline): Conflicting classifications of pathogenicity. Review status: criteria provided, conflicting classifications (1 of 4 stars). 2 submissions from 2 submitters: Uncertain significance (1); Likely benign (1). Last evaluated 2026-07-30.

Conditions:
APC-related disorder. Also called: APC-related condition.
Familial adenomatous polyposis 1 (FAP1). Also called: FAMILIAL ADENOMATOUS POLYPOSIS 1, ATTENUATED; POLYPOSIS, ADENOMATOUS INTESTINAL. Identifiers: MedGen C2713442, MONDO:0021056, OMIM 175100. Disease mechanism: loss of function.

Allele frequency attached by ClinVar (database versions not stated): gnomAD 0.00001; TOPMed 0.00001.

Submissions (2):

PreventionGenetics, part of Exact Sciences
Classification: Likely benign for APC-related condition. Last evaluated: 2026-07-30. Review status: criteria provided, single submitter. Criteria: ACMG Guidelines, 2015. Collection method: clinical testing. Allele origin: germline.
Comment: This variant is classified as likely benign based on ACMG/AMP sequence variant interpretation guidelines (Richards et al. 2015 PMID: 25741868, with internal and published modifications).

Labcorp Genetics (formerly Invitae), Labcorp
Classification: Uncertain significance for Familial adenomatous polyposis 1. Last evaluated: 2024-11-09. Review status: criteria provided, single submitter. Criteria: Invitae Variant Classification Sherloc (09022015). Collection method: clinical testing. Allele origin: germline.
Comment: This variant occurs in a non-coding region of the APC gene. It does not change the encoded amino acid sequence of the APC protein. This variant is not present in population databases (gnomAD no frequency). This variant has not been reported in the literature in individuals affected with APC-related conditions. ClinVar contains an entry for this variant (Variation ID: 469898). Experimental studies and prediction algorithms are not available or were not evaluated, and the functional significance of this variant is currently unknown. In summary, the available evidence is currently insufficient to determine the role of this variant in disease. Therefore, it has been classified as a Variant of Uncertain Significance.

NC_000005.10:g.112707339A>T

Gene: APC (APC regulator of Wnt signaling pathway; plus strand). Cytogenetic location: 5q22.2.
Variant type: single nucleotide variant.
Genome position: GRCh38 VCF-style: chr5-112707339-A-T. GRCh37 (hg19) VCF-style: chr5-112043036-A-T.
Identifiers: ClinVar variation 469898 (VCV000469898.10), dbSNP rs1554060095, ClinGen allele CA445747779.